The following is an entry in ClinVar:

ClinVar aggregate classification (germline): Likely benign. Review status: criteria provided, single submitter (1 of 4 stars). 2 submissions from 2 submitters: Likely benign (1). 1 of the submissions does not count toward it. Last evaluated 2026-09-01.

Conditions:
ITPR3-related disorder. Also called: ITPR3-related condition.

Allele frequency attached by ClinVar (database versions not stated): ExAC 0.00120; ESP Exome Variant Server 0.00308; gnomAD 0.00362; 1000 Genomes Project 0.00379; 1000 Genomes Project 30x 0.00406; TOPMed 0.00421.
gnomAD v4.1: 1,069 of 1,614,200 alleles (0.066%); highest among the groups gnomAD compares: African/African-American, 1.2%; 9 homozygotes.

Submissions (2):

CeGaT Center for Human Genetics Tuebingen
Classification: Likely benign. Last evaluated: 2026-09-01. Review status: criteria provided, single submitter. Criteria: CeGaT Center For Human Genetics Tuebingen Variant Classification Criteria Version 2. Collection method: clinical testing. Allele origin: germline. Affected: yes. Observed: 2 variant alleles.
Comment: ITPR3: BP4, BP7, BS1

PreventionGenetics, part of Exact Sciences
Classification: Benign for ITPR3-related condition. Last evaluated: 2019-11-26. Review status: no assertion criteria provided. Collection method: clinical testing. Allele origin: germline. Not counted in ClinVar's aggregate classification.
Comment: This variant is classified as benign based on ACMG/AMP sequence variant interpretation guidelines (Richards et al. 2015 PMID: 25741868, with internal and published modifications).

NM_002224.4(ITPR3):c.7071C>T (p.Asn2357=)

Gene: ITPR3 (inositol 1,4,5-trisphosphate receptor type 3; plus strand). Cytogenetic location: 6p21.31.
Variant type: single nucleotide variant.
Coding change: c.7071C>T on transcript NM_002224.4 (MANE Select); coding-DNA position 7071, C replaced by T.
Protein change: p.Asn2357=; no amino-acid change (asparagine 2357 retained).
Molecular consequence: synonymous variant.
Genome position (GRCh38, 1-based): chr6:33,690,955, C>T. VCF-style: chr6-33690955-C-T. GRCh37 (hg19) VCF-style: chr6-33658732-C-T.
Identifiers: ClinVar variation 3035475 (VCV003035475.4), dbSNP rs35394497, ClinGen allele CA3762095.